The following is an entry in ClinVar:

NM_032638.5(GATA2):c.856G>C (p.Ala286Pro)

Gene: GATA2 (GATA binding protein 2; minus strand). Cytogenetic location: 3q21.3.
Variant type: single nucleotide variant.
Coding change: c.856G>C on transcript NM_032638.5 (MANE Select); coding-DNA position 856, G replaced by C.
Protein change: p.Ala286Pro; replaces alanine 286 with proline.
Molecular consequence: missense variant.
Genome position (GRCh38, 1-based): chr3:128,485,742, C>G on the plus strand (G>C on the coding strand, the complement: GATA2 is on the minus strand). VCF-style: chr3-128485742-C-G. GRCh37 (hg19) VCF-style: chr3-128204585-C-G.
Other names: c.856G>C, p.Ala286Pro (NM_001145661.2, NM_001145662.1); short protein forms A286P.
Identifiers: ClinVar variation 934804 (VCV000934804.12), dbSNP rs1443864030, ClinGen allele CA354405118.

ClinVar aggregate classification (germline): Uncertain significance. Review status: criteria provided, multiple submitters, no conflicts (2 of 4 stars). 3 submissions from 3 submitters: Uncertain significance (2). 1 of the submissions does not count toward it. Last evaluated 2025-07-31.

Conditions:
Inborn genetic diseases. Identifiers: MedGen C0950123, MeSH D030342.
Monocytopenia with susceptibility to infections. Also called: IMMUNODEFICIENCY 21; GATA2 DEFICIENCY; MONOCYTOPENIA AND MYCOBACTERIAL INFECTION SYNDROME; MONOCYTOPENIA WITH SUSCEPTIBILITY TO MYCOBACTERIAL, FUNGAL, AND PAPILLOMAVIRUS INFECTIONS AND MYELODYSPLASIA; COMBINED IMMUNODEFICIENCY WITH SUSCEPTIBILITY TO MYCOBACTERIAL, VIRAL, AND FUNGAL INFECTIONS; Dendritic cell, monocyte, B lymphocyte, and natural killer lymphocyte deficiency. Identifiers: Orphanet 228423, MedGen C3280030, MONDO:0013607, OMIM 614172.
Deafness-lymphedema-leukemia syndrome. Also called: Emberger syndrome; Lymphedema, primary, with myelodysplasia. Identifiers: Orphanet 3226, MedGen C3279664, MONDO:0013540, OMIM 614038.

Submissions (3):

Ambry Genetics
Classification: Uncertain significance for Inborn genetic diseases. Last evaluated: 2025-07-31. Review status: criteria provided, single submitter. Criteria: Ambry Variant Classification Scheme 2023. Collection method: clinical testing. Allele origin: germline.
Comment: The p.A286P variant (also known as c.856G>C), located in coding exon 2 of the GATA2 gene, results from a G to C substitution at nucleotide position 856. The alanine at codon 286 is replaced by proline, an amino acid with highly similar properties. This amino acid position is conserved. In addition, the in silico prediction for this alteration is inconclusive. Based on the available evidence, the clinical significance of this variant remains unclear.

Labcorp Genetics (formerly Invitae), Labcorp
Classification: Uncertain significance for Monocytopenia with susceptibility to infections; Deafness-lymphedema-leukemia syndrome. Last evaluated: 2025-05-05. Review status: criteria provided, single submitter. Criteria: Invitae Variant Classification Sherloc (09022015). Collection method: clinical testing. Allele origin: germline.
Comment: This sequence change replaces alanine, which is neutral and non-polar, with proline, which is neutral and non-polar, at codon 286 of the GATA2 protein (p.Ala286Pro). This variant is not present in population databases (gnomAD no frequency). This variant has not been reported in the literature in individuals affected with GATA2-related conditions. ClinVar contains an entry for this variant (Variation ID: 934804). Invitae Evidence Modeling of protein sequence and biophysical properties (such as structural, functional, and spatial information, amino acid conservation, physicochemical variation, residue mobility, and thermodynamic stability) has been performed for this missense variant. However, the output from this modeling did not meet the statistical confidence thresholds required to predict the impact of this variant on GATA2 protein function. In summary, the available evidence is currently insufficient to determine the role of this variant in disease. Therefore, it has been classified as a Variant of Uncertain Significance.

UOSD Laboratory of Genetics & Genomics of Rare Diseases, Istituto Giannina Gaslini
Classification: Uncertain significance for Monocytopenia with susceptibility to infections. Last evaluated: 2020-05-21. Review status: no assertion criteria provided. Collection method: clinical testing. Allele origin: germline. Affected: yes. Observed: 1 variant allele. Not counted in ClinVar's aggregate classification.